The following is an entry in ClinVar:

NM_000751.3(CHRND):c.698G>A (p.Arg233His)

Gene: CHRND (cholinergic receptor nicotinic delta subunit; plus strand). Cytogenetic location: 2q37.1.
Variant type: single nucleotide variant.
Coding change: c.698G>A on transcript NM_000751.3 (MANE Select); coding-DNA position 698, G replaced by A.
Protein change: p.Arg233His; replaces arginine 233 with histidine.
Molecular consequence: missense variant. On other transcripts: intron variant (1).
Genome position (GRCh38, 1-based): chr2:232,530,017, G>A. VCF-style: chr2-232530017-G-A. GRCh37 (hg19) VCF-style: chr2-233394727-G-A.
Other names: p.Arg233His; c.698G>A (NM_000751.1); c.653G>A, p.Arg218His (NM_001256657.2); c.395G>A, p.Arg132His (NM_001311196.2); c.239-1335G>A (NM_001311195.2); short protein forms R132H, R218H, R233H.
Identifiers: ClinVar variation 962713 (VCV000962713.11), dbSNP rs146416320, ClinGen allele CA2168120.

ClinVar aggregate classification (germline): Conflicting classifications of pathogenicity. Review status: criteria provided, conflicting classifications (1 of 4 stars). 4 submissions from 4 submitters: Uncertain significance (3); Likely benign (1). Last evaluated 2025-04-03.

Conditions:
Inborn genetic diseases. Identifiers: MedGen C0950123, MeSH D030342.
Lethal multiple pterygium syndrome (LMPS). Identifiers: Orphanet 33108, MedGen C1854678, MONDO:0009668, OMIM 253290.

Allele frequency attached by ClinVar (database versions not stated): gnomAD 0.00002 and 0.00003; TOPMed 0.00003; ExAC 0.00004; gnomAD exomes 0.00005; 1000 Genomes Project 0.00020; 1000 Genomes Project 30x 0.00031.

Submissions (4):

Mayo Clinic Laboratories, Mayo Clinic
Classification: Uncertain significance. Last evaluated: 2025-04-03. Review status: criteria provided, single submitter. Criteria: ACMG Guidelines, 2015. Collection method: clinical testing. Allele origin: germline. Observed: 1 variant allele.
Comment: BP4

Labcorp Genetics (formerly Invitae), Labcorp
Classification: Uncertain significance for Lethal multiple pterygium syndrome. Last evaluated: 2025-01-08. Review status: criteria provided, single submitter. Criteria: Invitae Variant Classification Sherloc (09022015). Collection method: clinical testing. Allele origin: germline.
Comment: This sequence change replaces arginine, which is basic and polar, with histidine, which is basic and polar, at codon 233 of the CHRND protein (p.Arg233His). This variant is present in population databases (rs146416320, gnomAD 0.02%). This missense change has been observed in individual(s) with clinical features of CHRND-related conditions (internal data). ClinVar contains an entry for this variant (Variation ID: 962713). Invitae Evidence Modeling of protein sequence and biophysical properties (such as structural, functional, and spatial information, amino acid conservation, physicochemical variation, residue mobility, and thermodynamic stability) indicates that this missense variant is not expected to disrupt CHRND protein function with a negative predictive value of 95%. In summary, the available evidence is currently insufficient to determine the role of this variant in disease. Therefore, it has been classified as a Variant of Uncertain Significance.

Revvity Omics, Revvity
Classification: Uncertain significance. Last evaluated: 2024-10-15. Review status: criteria provided, single submitter. Criteria: ACMG Guidelines, 2015. Collection method: clinical testing. Allele origin: germline.

Ambry Genetics
Classification: Likely benign for Inborn genetic diseases. Last evaluated: 2024-06-13. Review status: criteria provided, single submitter. Criteria: Ambry Variant Classification Scheme 2023. Collection method: clinical testing. Allele origin: germline.